The following is an entry in ClinVar:

ClinVar aggregate classification (germline): Uncertain significance (1 of 4 stars; one submission).

Allele frequency attached by ClinVar (database versions not stated): ExAC 0.00001; gnomAD 0.00001; TOPMed 0.00001; ESP Exome Variant Server 0.00008.
gnomAD v4.1: 8 of 1,613,304 alleles (0.0005%); highest among the groups gnomAD compares: Non-Finnish European, 0.00068%; no homozygotes.

Submission:

Labcorp Genetics (formerly Invitae), Labcorp
Classification: Uncertain significance. Last evaluated: 2022-03-25. Review status: criteria provided, single submitter. Criteria: Invitae Variant Classification Sherloc (09022015). Collection method: clinical testing. Allele origin: germline.
Comment: In summary, the available evidence is currently insufficient to determine the role of this variant in disease. Therefore, it has been classified as a Variant of Uncertain Significance. Variants that disrupt the consensus splice site are a relatively common cause of aberrant splicing (PMID: 17576681, 9536098). Algorithms developed to predict the effect of sequence changes on RNA splicing suggest that this variant is not likely to affect RNA splicing. This variant has not been reported in the literature in individuals affected with MPDZ-related conditions. This variant is present in population databases (rs373455909, gnomAD 0.002%). This sequence change falls in intron 29 of the MPDZ gene. It does not directly change the encoded amino acid sequence of the MPDZ protein. It affects a nucleotide within the consensus splice site.

Literature cited by the submitters: PubMed 17576681; PubMed 9536098.

NM_001378778.1(MPDZ):c.4200+5G>C

Gene: MPDZ (multiple PDZ domain crumbs cell polarity complex component; minus strand). Cytogenetic location: 9p23.
Variant type: single nucleotide variant.
Coding change: c.4200+5G>C on transcript NM_001378778.1 (MANE Select); 5 bases into the intron after coding-DNA position 4200, G replaced by C.
Molecular consequence: intron variant.
Genome position (GRCh38, 1-based): chr9:13,137,952, C>G on the plus strand (G>C on the coding strand, the complement: MPDZ is on the minus strand). VCF-style: chr9-13137952-C-G. GRCh37 (hg19) VCF-style: chr9-13137951-C-G.
Other names: c.3990+5G>C (NM_001375425.1, NM_001375420.1, NM_001375423.1 and 4 more transcripts); c.4101+5G>C (NM_001375419.1, NM_001375416.1, NM_001375418.1 and 3 more transcripts); c.4200+5G>C (NM_001330637.2, NM_003829.5, NM_001375413.1); c.3792+5G>C (NM_001375427.1).
Identifiers: ClinVar variation 2183416 (VCV002183416.2), dbSNP rs373455909, ClinGen allele CA4986808.